The following is an entry in ClinVar:

ClinVar aggregate classification (germline): Uncertain significance (1 of 4 stars; one submission).

Submission:

Labcorp Genetics (formerly Invitae), Labcorp
Classification: Uncertain significance. Last evaluated: 2024-04-10. Review status: criteria provided, single submitter. Criteria: Invitae Variant Classification Sherloc (09022015). Collection method: clinical testing. Allele origin: germline.
Comment: This sequence change falls in intron 19 of the ADAMTS17 gene. It does not directly change the encoded amino acid sequence of the ADAMTS17 protein. It affects a nucleotide within the consensus splice site. This variant is not present in population databases (gnomAD no frequency). This variant has not been reported in the literature in individuals affected with ADAMTS17-related conditions. ClinVar contains an entry for this variant (Variation ID: 1373517). Variants that disrupt the consensus splice site are a relatively common cause of aberrant splicing (PMID: 17576681, 9536098). Algorithms developed to predict the effect of sequence changes on RNA splicing suggest that this variant is not likely to affect RNA splicing. In summary, the available evidence is currently insufficient to determine the role of this variant in disease. Therefore, it has been classified as a Variant of Uncertain Significance.

Literature cited by the submitters: PubMed 17576681; PubMed 9536098.

NM_139057.4(ADAMTS17):c.2796+4G>A

Gene: ADAMTS17 (ADAM metallopeptidase with thrombospondin type 1 motif 17; minus strand). Cytogenetic location: 15q26.3.
Variant type: single nucleotide variant.
Coding change: c.2796+4G>A on transcript NM_139057.4 (MANE Select); 4 bases into the intron after coding-DNA position 2796, G replaced by A.
Molecular consequence: intron variant.
Genome position (GRCh38, 1-based): chr15:99,997,381, C>T on the plus strand (G>A on the coding strand, the complement: ADAMTS17 is on the minus strand). VCF-style: chr15-99997381-C-T. GRCh37 (hg19) VCF-style: chr15-100537586-C-T.
Identifiers: ClinVar variation 1373517 (VCV001373517.6), dbSNP rs2060822394, ClinGen allele CA2199800364.